The following is an entry in ClinVar:

NM_014845.6(FIG4):c.831_838del (p.Lys278fs)

Gene: FIG4 (FIG4 phosphoinositide 5-phosphatase; plus strand). Cytogenetic location: 6q21.
Variant type: Deletion.
Coding change: c.831_838del on transcript NM_014845.6 (MANE Select); coding-DNA positions 831 to 838, 8 bases deleted (TAAATTTG; older notation c.831_838delTAAATTTG).
Protein change: p.Lys278fs; shifts the reading frame from lysine 278.
Molecular consequence: frameshift variant.
Genome position (GRCh38, 1-based): chr6:109,741,499-109,741,506, TAAATTTG deleted; deleting any 8 consecutive bases within chr6:109,741,498-109,741,506 gives the same sequence; the c. name uses the placement nearest the transcript's 3' end. VCF-style (leftmost placement, unchanged base first): chr6-109741497-AGTAAATTT-A. GRCh37 (hg19) VCF-style: chr6-110062700-AGTAAATTT-A.
Other names: c.831_838delTAAATTTG (NM_014845.5); short protein forms K278fs.
Identifiers: ClinVar variation 50995 (VCV000050995.22), dbSNP rs786200937, ClinGen allele CA143924.

ClinVar aggregate classification (germline): Pathogenic. Review status: criteria provided, multiple submitters, no conflicts (2 of 4 stars). 8 submissions from 8 submitters: Pathogenic (5). 3 of the submissions do not count toward it. Last evaluated 2024-11-06.

Conditions:
Bilateral parasagittal parieto-occipital polymicrogyria. Also called: Polymicrogyria, bilateral temporooccipital. Identifiers: Orphanet 208441, MedGen C4013648, MONDO:0012986, OMIM 612691.
Charcot-Marie-Tooth disease type 4J (CMT4J). Also called: CHARCOT-MARIE-TOOTH DISEASE, AUTOSOMAL RECESSIVE, TYPE 4J; Charcot-Marie-Tooth Neuropathy Type 4J; CHARCOT-MARIE-TOOTH DISEASE, DEMYELINATING, TYPE 4J. Identifiers: Orphanet 139515, MedGen C1970011, MONDO:0012640, OMIM 611228.
Inborn genetic diseases. Identifiers: MedGen C0950123, MeSH D030342.
Charcot-Marie-Tooth disease type 4. Also called: Charcot-Marie-Tooth, Type 4; Charcot-Marie-Tooth disease, type IV. Identifiers: Orphanet 64749, MedGen C4082197, MONDO:0018995.
Yunis-Varon syndrome (YVS). Also called: Cleidocranial dysplasia, micrognathia, absent thumbs, & distal aphalangia. Identifiers: Orphanet 3472, MedGen C1857663, MONDO:0008995, OMIM 216340.

Submissions (8):

Labcorp Genetics (formerly Invitae), Labcorp
Classification: Pathogenic for Charcot-Marie-Tooth disease type 4. Last evaluated: 2024-11-06. Review status: criteria provided, single submitter. Criteria: Invitae Variant Classification Sherloc (09022015). Collection method: clinical testing. Allele origin: germline.
Comment: This sequence change creates a premature translational stop signal (p.Lys278Trpfs*6) in the FIG4 gene. It is expected to result in an absent or disrupted protein product. Loss-of-function variants in FIG4 are known to be pathogenic (PMID: 23623387, 30740813). This variant is present in population databases (rs752684668, gnomAD 0.004%). This premature translational stop signal has been observed in individual(s) with FIG4-related disease (PMID: 21705420, 23489662, 23623387). In at least one individual the data is consistent with being in trans (on the opposite chromosome) from a pathogenic variant. It has also been observed to segregate with disease in related individuals. ClinVar contains an entry for this variant (Variation ID: 50995). Algorithms developed to predict the effect of sequence changes on RNA splicing suggest that this variant may disrupt the consensus splice site. For these reasons, this variant has been classified as Pathogenic.

Athena Diagnostics
Classification: Pathogenic. Last evaluated: 2024-11-03. Review status: criteria provided, single submitter. Criteria: Athena Diagnostics Criteria. Collection method: clinical testing. Allele origin: unknown.
Comment: This variant is expected to result in the loss of a functional protein. The frequency of this variant in the general population is consistent with pathogenicity. This variant has been identified in at least one individual with clinical features associated with CMT. In some published literature, this variant is referred to as c.831del(GTAAATTT), p.K278YfsX5.

Ambry Genetics
Classification: Pathogenic for Inborn genetic diseases. Last evaluated: 2022-02-23. Review status: criteria provided, single submitter. Criteria: Ambry Variant Classification Scheme 2023. Collection method: clinical testing. Allele origin: germline.
Comment: The c.831_838delTAAATTTG pathogenic mutation, located in coding exon 8 of the FIG4 gene, results from a deletion of 8 nucleotides at nucleotide positions 831 to 838, causing a translational frameshift with a predicted alternate stop codon (p.K278Wfs*6). This alteration has been detected in trans with other FIG4 mutations in multiple unrelated individuals with Charcot Marie Tooth disease type 4J (CMT4J) (Campeau PM et al. Am J Hum Genet, 2013 May;92:781-91; Nicholson G et al. Brain, 2011 Jul;134:1959-71; Cottenie E et al. Neuromuscul Disord, 2013 May;23:399-403; Hu B et al. Ann Neurol, 2018 04;83:756-770). This variant is considered to be rare based on population cohorts in the Genome Aggregation Database (gnomAD). This alteration is expected to result in loss of function by premature protein truncation or nonsense-mediated mRNA decay. As such, this alteration is interpreted as a disease-causing mutation.

GeneDx
Classification: Pathogenic. Last evaluated: 2022-02-07. Review status: criteria provided, single submitter. Criteria: GeneDx Variant Classification Process June 2021. Collection method: clinical testing. Allele origin: germline. Affected: yes.
Comment: Frameshift variant predicted to result in protein truncation or nonsense mediated decay in a gene for which loss-of-function is a known mechanism of disease; Not observed at significant frequency in large population cohorts (gnomAD); This variant is associated with the following publications: (PMID: 23489662, 23623387, 30373780, 21705420, 23903953, 32376792)

Revvity Omics, Revvity
Classification: Pathogenic. Last evaluated: 2020-09-10. Review status: criteria provided, single submitter. Criteria: ACMG Guidelines, 2015. Collection method: clinical testing. Allele origin: germline.

Inherited Neuropathy Consortium Ii, University Of Miami
Classification: Uncertain significance for Charcot-Marie-Tooth disease type 4J. Last evaluated: 2016-01-06. Review status: no assertion criteria provided. Collection method: literature only. Allele origin: germline. Affected: yes. Not counted in ClinVar's aggregate classification.

OMIM
Classification: Pathogenic for YUNIS-VARON SYNDROME. Last evaluated: 2013-05-02. Review status: no assertion criteria provided. Collection method: literature only. Allele origin: germline. Not counted in ClinVar's aggregate classification.

Service de Génétique Moléculaire, Hôpital Robert Debré
Classification: Pathogenic for Bilateral parasagittal parieto-occipital polymicrogyria. Review status: no assertion criteria provided. Collection method: clinical testing. Allele origin: unknown. Affected: yes. Not counted in ClinVar's aggregate classification.

Literature cited by the submitters: PubMed 23623387 (cited by 3 submitters); PubMed 30740813 (cited by Labcorp Genetics (formerly Invitae), Labcorp); PubMed 21705420 (cited by 4 submitters); PubMed 23489662 (cited by 3 submitters); PubMed 29518270 (cited by Athena Diagnostics and Ambry Genetics).